The following is an entry in ClinVar:

NM_017777.4(MKS1):c.516-2A>G

Gene: MKS1 (MKS transition zone complex subunit 1; minus strand). Cytogenetic location: 17q22.
Variant type: single nucleotide variant.
Coding change: c.516-2A>G on transcript NM_017777.4 (MANE Select); the canonical splice acceptor site of the intron before coding-DNA position 516, A replaced by G.
Molecular consequence: splice acceptor variant.
Genome position (GRCh38, 1-based): chr17:58,214,389, T>C on the plus strand (A>G on the coding strand, the complement: MKS1 is on the minus strand). VCF-style: chr17-58214389-T-C. GRCh37 (hg19) VCF-style: chr17-56291750-T-C.
Other names: c.-94-2A>G (NM_001321268.2); c.516-2A>G (NM_001330397.2, NM_001321269.2, NM_001411113.1 and 1 more transcripts).
Identifiers: ClinVar variation 1470119 (VCV001470119.8), dbSNP rs2143805609, ClinGen allele CA400327106.

ClinVar aggregate classification (germline): Likely pathogenic. Review status: criteria provided, multiple submitters, no conflicts (2 of 4 stars). 3 submissions from 3 submitters: Likely pathogenic (3). Last evaluated 2025-06-23.

Conditions:
Bardet-Biedl syndrome 13 (BBS13). Identifiers: Orphanet 110, MedGen C2673873, MONDO:0014441, OMIM 615990.
MKS1-related disorder. Also called: MKS1-related disorders; MKS1-related condition. Identifiers: MedGen CN239382.
Joubert syndrome. Also called: Familial aplasia of the vermis; JOUBERT-BOLTSHAUSER SYNDROME. Identifiers: Orphanet 475, MedGen C5979921, MONDO:0018772.
Meckel-Gruber syndrome. Also called: Dysencephalia splachnocystica; DYSENCEPHALIA SPLANCHNOCYSTICA; GRUBER SYNDROME. Identifiers: Orphanet 564, MedGen C0265215, MONDO:0018921.

Allele frequency attached by ClinVar (database versions not stated): gnomAD exomes below 0.00001.
gnomAD v4.1: 1 of 1,612,832 alleles (0.000062%); highest among the groups gnomAD compares: Non-Finnish European, 0.000085%; no homozygotes.

Submissions (3):

PreventionGenetics, part of Exact Sciences
Classification: Likely pathogenic for MKS1-related condition. Last evaluated: 2025-06-23. Review status: criteria provided, single submitter. Criteria: ACMG Guidelines, 2015. Collection method: clinical testing. Allele origin: germline.
Comment: The MKS1 c.516-2A>G variant is predicted to disrupt the AG splice acceptor site and interfere with normal splicing. This variant is predicted to disrupt a canonical splice acceptor site and impact splicing (SpliceAI, Jaganathan et al. 2019. PubMed ID: 30661751). This variant has not been reported in a large population database (gnomAD), indicating this variant is rare. Variants that disrupt the consensus splice acceptor site in MKS1 are expected to be pathogenic. This variant is interpreted as likely pathogenic.

Baylor Genetics
Classification: Likely pathogenic for Bardet-Biedl syndrome 13. Last evaluated: 2022-10-13. Review status: criteria provided, single submitter. Criteria: ACMG Guidelines, 2015. Collection method: clinical testing. Allele origin: unknown.

Labcorp Genetics (formerly Invitae), Labcorp
Classification: Likely pathogenic for Joubert syndrome; Meckel-Gruber syndrome. Last evaluated: 2022-06-14. Review status: criteria provided, single submitter. Criteria: Invitae Variant Classification Sherloc (09022015). Collection method: clinical testing. Allele origin: germline.
Comment: This sequence change affects an acceptor splice site in intron 5 of the MKS1 gene. It is expected to disrupt RNA splicing. Variants that disrupt the donor or acceptor splice site typically lead to a loss of protein function (PMID: 16199547), and loss-of-function variants in MKS1 are known to be pathogenic (PMID: 19466712, 24886560, 26490104). This variant is not present in population databases (gnomAD no frequency). This variant has not been reported in the literature in individuals affected with MKS1-related conditions. Algorithms developed to predict the effect of sequence changes on RNA splicing suggest that this variant may disrupt the consensus splice site. In summary, the currently available evidence indicates that the variant is pathogenic, but additional data are needed to prove that conclusively. Therefore, this variant has been classified as Likely Pathogenic.

Literature cited by the submitters: PubMed 16199547 (cited by Labcorp Genetics (formerly Invitae), Labcorp); PubMed 19466712 (cited by Labcorp Genetics (formerly Invitae), Labcorp); PubMed 24886560 (cited by Labcorp Genetics (formerly Invitae), Labcorp); PubMed 26490104 (cited by Labcorp Genetics (formerly Invitae), Labcorp).